The following is an entry in ClinVar:

ClinVar aggregate classification (germline): Benign. Review status: criteria provided, multiple submitters, no conflicts (2 of 4 stars). 7 submissions from 7 submitters: Benign (6). 1 of the submissions does not count toward it. Last evaluated 2026-02-02.

Conditions:
Hypodontia. Also called: Partial congenital absence of teeth; Tooth agenesis, selective. Identifiers: Orphanet 99798, MedGen C0020608, MONDO:0005486, HP:0000668. Disease mechanism: loss of function.
Tooth agenesis, selective, 3 (STHAG3). Also called: HYPODONTIA/OLIGODONTIA 3. Identifiers: Orphanet 99798, MedGen C1970291, MONDO:0011477, OMIM 604625. Disease mechanism: loss of function.

Allele frequency attached by ClinVar (database versions not stated): TOPMed 0.15072; ESP Exome Variant Server 0.15209; 1000 Genomes Project 30x 0.15553; 1000 Genomes Project 0.16014.
gnomAD v4.1: 313,615 of 1,587,486 alleles (20%); highest among the groups gnomAD compares: East Asian, 28%; 32,959 homozygotes.

Submissions (7):

Labcorp Genetics (formerly Invitae), Labcorp
Classification: Benign for Hypodontia. Last evaluated: 2026-02-02. Review status: criteria provided, single submitter. Criteria: Invitae Variant Classification Sherloc (09022015). Collection method: clinical testing. Allele origin: germline.

Genome-Nilou Lab
Classification: Benign for Tooth agenesis, selective, 3. Last evaluated: 2021-09-05. Review status: criteria provided, single submitter. Criteria: ACMG Guidelines, 2015. Collection method: clinical testing. Allele origin: germline. Affected: no.

GeneDx
Classification: Benign. Last evaluated: 2020-06-09. Review status: criteria provided, single submitter. Criteria: GeneDx Variant Classification Process June 2021. Collection method: clinical testing. Allele origin: germline. Affected: yes.

Illumina Laboratory Services, Illumina
Classification: Benign for Tooth agenesis, selective, 3. Last evaluated: 2018-01-13. Review status: criteria provided, single submitter. Criteria: ICSL Variant Classification Criteria 13 December 2019. Collection method: clinical testing. Allele origin: germline.
Comment: This variant was observed in the ICSL laboratory as part of a predisposition screen in an ostensibly healthy population. It had not been previously curated by ICSL or reported in the Human Gene Mutation Database (HGMD: prior to June 1st, 2018), and was therefore a candidate for classification through an automated scoring system. Utilizing variant allele frequency, disease prevalence and penetrance estimates, and inheritance mode, an automated score was calculated to assess if this variant is too frequent to cause the disease. Based on the score and internal cut-off values, a variant classified as benign is not then subjected to further curation. The score for this variant resulted in a classification of benign for this disease.

Genome Diagnostics Laboratory, University Medical Center Utrecht
Classification: Benign for Tooth agenesis, selective, 3. Last evaluated: 2017-07-28. Review status: criteria provided, single submitter. Criteria: ACGS Guidelines, 2013. Collection method: clinical testing. Allele origin: germline. Affected: yes. Study: VKGL Data-share Consensus.

Breakthrough Genomics
Classification: Benign. Review status: criteria provided, single submitter. Criteria: ACMG Guidelines, 2015. Collection method: not provided. Allele origin: germline. Inheritance: Autosomal dominant inheritance. Affected: yes.

Diagnostic Laboratory, Department of Genetics, University Medical Center Groningen
Classification: Benign for Tooth agenesis, selective, 3. Review status: no assertion criteria provided. Collection method: clinical testing. Allele origin: germline. Affected: yes. Study: VKGL Data-share Consensus. Not counted in ClinVar's aggregate classification.

NM_001372076.1(PAX9):c.717C>T (p.His239=)

Gene: PAX9 (paired box 9; plus strand). Cytogenetic location: 14q13.3.
Variant type: single nucleotide variant.
Coding change: c.717C>T on transcript NM_001372076.1 (MANE Select); coding-DNA position 717, C replaced by T.
Protein change: p.His239=; no amino-acid change (histidine 239 retained).
Molecular consequence: synonymous variant.
Genome position (GRCh38, 1-based): chr14:36,666,547, C>T. VCF-style: chr14-36666547-C-T. GRCh37 (hg19) VCF-style: chr14-37135752-C-T.
Other names: c.717C>T, p.His239= (NM_006194.4).
Identifiers: ClinVar variation 313171 (VCV000313171.18), dbSNP rs12881240, ClinGen allele CA7159071.
Genomic context (GRCh38, chr14:36,666,547, plus strand): 5'-CCCCAAGGTGGAGGAGTGGAGCAGCCTGGGCCGCAACAACTTCCCCGCCGCCGCCCCGCA[C>T]GCGGTGAACGGGTTGGAGAAGGGAGCCCTGGAGCAGGAAGCCAAGTACGGTCAGGTGAGG-3'
Protein context (NP_001359005.1, residues 229-249): GRNNFPAAAP[His239=]AVNGLEKGAL